The following is an entry in ClinVar:

NM_016363.5(GP6):c.575_576inv (p.Ser192Leu)

Gene: GP6 (glycoprotein VI platelet; minus strand). Cytogenetic location: 19q13.42.
Variant type: Inversion.
Coding change: c.575_576inv on transcript NM_016363.5 (MANE Select).
Protein change: p.Ser192Leu; replaces serine 192 with leucine.
Molecular consequence: missense variant.
Genome position: GRCh38 VCF-style: chr19-55027612-TG-CA. GRCh37 (hg19) VCF-style: chr19-55538980-TG-CA.
Other names: c.575_576inv, p.Ser192Leu (NM_001083899.2, NM_001256017.2); short protein forms S192L.
Identifiers: ClinVar variation 2183443 (VCV002183443.1), ClinGen allele CA2580097798.

ClinVar aggregate classification (germline): Uncertain significance (1 of 4 stars; one submission).

Submission:

Labcorp Genetics (formerly Invitae), Labcorp
Classification: Uncertain significance. Last evaluated: 2022-06-15. Review status: criteria provided, single submitter. Criteria: Invitae Variant Classification Sherloc (09022015). Collection method: clinical testing. Allele origin: germline.
Comment: This sequence change replaces serine, which is neutral and polar, with leucine, which is neutral and non-polar, at codon 192 of the GP6 protein (p.Ser192Leu). This variant is present in population databases (no rsID available, gnomAD 0.1%). This variant has not been reported in the literature in individuals affected with GP6-related conditions. Algorithms developed to predict the effect of missense changes on protein structure and function are either unavailable or do not agree on the potential impact of this missense change (SIFT: "Not Available"; PolyPhen-2: "Probably Damaging"; Align-GVGD: "Not Available"). In summary, the available evidence is currently insufficient to determine the role of this variant in disease. Therefore, it has been classified as a Variant of Uncertain Significance.